The following is an entry in ClinVar:

ClinVar aggregate classification (germline): Uncertain significance. Review status: criteria provided, multiple submitters, no conflicts (2 of 4 stars). 2 submissions from 2 submitters: Uncertain significance (2). Last evaluated 2024-05-29.

gnomAD v4.1: 1 of 1,613,960 alleles (0.000062%); highest among the groups gnomAD compares: East Asian, 0.0022%; no homozygotes.

Submissions (2):

Labcorp Genetics (formerly Invitae), Labcorp
Classification: Uncertain significance. Last evaluated: 2024-05-29. Review status: criteria provided, single submitter. Criteria: Invitae Variant Classification Sherloc (09022015). Collection method: clinical testing. Allele origin: germline.
Comment: This sequence change replaces alanine, which is neutral and non-polar, with serine, which is neutral and polar, at codon 1340 of the MYO7A protein (p.Ala1340Ser). This variant is present in population databases (rs376291076, gnomAD 0.006%). This variant has not been reported in the literature in individuals affected with MYO7A-related conditions. Advanced modeling of protein sequence and biophysical properties (such as structural, functional, and spatial information, amino acid conservation, physicochemical variation, residue mobility, and thermodynamic stability) performed at Invitae indicates that this missense variant is not expected to disrupt MYO7A protein function with a negative predictive value of 95%. In summary, the available evidence is currently insufficient to determine the role of this variant in disease. Therefore, it has been classified as a Variant of Uncertain Significance.

GeneDx
Classification: Uncertain significance. Last evaluated: 2023-05-24. Review status: criteria provided, single submitter. Criteria: GeneDx Variant Classification Process June 2021. Collection method: clinical testing. Allele origin: germline. Affected: yes.
Comment: Not observed at significant frequency in large population cohorts (gnomAD); In silico analysis supports that this missense variant does not alter protein structure/function; Has not been previously published as pathogenic or benign to our knowledge

NM_000260.4(MYO7A):c.4018G>T (p.Ala1340Ser)

Gene: MYO7A (myosin VIIA; plus strand). Cytogenetic location: 11q13.5.
Variant type: single nucleotide variant.
Coding change: c.4018G>T on transcript NM_000260.4 (MANE Select); coding-DNA position 4018, G replaced by T.
Protein change: p.Ala1340Ser; replaces alanine 1340 with serine.
Molecular consequence: missense variant.
Genome position (GRCh38, 1-based): chr11:77,192,144, G>T. VCF-style: chr11-77192144-G-T. GRCh37 (hg19) VCF-style: chr11-76903189-G-T.
Other names: c.4018G>T, p.Ala1340Ser (NM_001127180.2); c.3985G>T, p.Ala1329Ser (NM_001369365.1); short protein forms A1329S, A1340S.
Identifiers: ClinVar variation 3343560 (VCV003343560.3).